The following is an entry in ClinVar:

NM_001104.4(ACTN3):c.249G>A (p.Leu83=)

Gene: ACTN3 (actinin alpha 3; plus strand). Cytogenetic location: 11q13.2.
Variant type: single nucleotide variant.
Coding change: c.249G>A on transcript NM_001104.4 (MANE Select); coding-DNA position 249, G replaced by A.
Protein change: p.Leu83=; no amino-acid change (leucine 83 retained).
Molecular consequence: synonymous variant.
Genome position (GRCh38, 1-based): chr11:66,551,340, G>A. VCF-style: chr11-66551340-G-A. GRCh37 (hg19) VCF-style: chr11-66318811-G-A.
Other names: c.378G>A, p.Leu126= (NM_001258371.3).
Identifiers: ClinVar variation 2641992 (VCV002641992.24), dbSNP rs192076014, ClinGen allele CA6124235.

ClinVar aggregate classification (germline): Likely benign (1 of 4 stars; one submission).

Allele frequency attached by ClinVar (database versions not stated): gnomAD exomes 0.00006; ExAC 0.00031; 1000 Genomes Project 0.00040; 1000 Genomes Project 30x 0.00062; gnomAD 0.00064; TOPMed 0.00077; ESP Exome Variant Server 0.00116.

Submission:

CeGaT Center for Human Genetics Tuebingen
Classification: Likely benign. Last evaluated: 2022-03-01. Review status: criteria provided, single submitter. Criteria: CeGaT Center For Human Genetics Tuebingen Variant Classification Criteria Version 2. Collection method: clinical testing. Allele origin: germline. Affected: yes. Observed: 1 variant allele.
Comment: ACTN3: BP4, BP7